The following is an entry in ClinVar:

ClinVar aggregate classification (germline): Uncertain significance (1 of 4 stars; one submission).

Allele frequency attached by ClinVar (database versions not stated): ExAC 0.00007.

Submission:

Labcorp Genetics (formerly Invitae), Labcorp
Classification: Uncertain significance. Last evaluated: 2021-11-11. Review status: criteria provided, single submitter. Criteria: Invitae Variant Classification Sherloc (09022015). Collection method: clinical testing. Allele origin: germline.
Comment: Algorithms developed to predict the effect of missense changes on protein structure and function (SIFT, PolyPhen-2, Align-GVGD) all suggest that this variant is likely to be tolerated. In summary, the available evidence is currently insufficient to determine the role of this variant in disease. Therefore, it has been classified as a Variant of Uncertain Significance. This variant has not been reported in the literature in individuals affected with PIGV-related conditions. This variant is not present in population databases (gnomAD no frequency). This sequence change replaces serine, which is neutral and polar, with threonine, which is neutral and polar, at codon 17 of the PIGV protein (p.Ser17Thr).

NM_017837.4(PIGV):c.50G>C (p.Ser17Thr)

Gene: PIGV (phosphatidylinositol glycan anchor biosynthesis class V; plus strand). Cytogenetic location: 1p36.11.
Variant type: single nucleotide variant.
Coding change: c.50G>C on transcript NM_017837.4 (MANE Select); coding-DNA position 50, G replaced by C.
Protein change: p.Ser17Thr; replaces serine 17 with threonine.
Molecular consequence: missense variant. On other transcripts: non-coding transcript variant (2), intron variant (1).
Genome position (GRCh38, 1-based): chr1:26,790,865, G>C. VCF-style: chr1-26790865-G-C. GRCh37 (hg19) VCF-style: chr1-27117356-G-C.
Other names: c.50G>C, p.Ser17Thr (NM_001202554.2, NM_001374478.1, NM_001374480.1 and 5 more transcripts); c.-304+3059G>C (NM_001374483.1); short protein forms S17T.
Identifiers: ClinVar variation 1354295 (VCV001354295.6), dbSNP rs773837990, ClinGen allele CA707969.